The following is an entry in ClinVar:

ClinVar aggregate classification (germline): Likely pathogenic (0 of 4 stars; one submission).

Conditions:
Finnish congenital nephrotic syndrome (NPHS1). Also called: NEPHROTIC SYNDROME, TYPE 1. Identifiers: Orphanet 839, MedGen C0403399, MONDO:0009732, OMIM 256300.

Allele frequency attached by ClinVar (database versions not stated): gnomAD exomes below 0.00001.
gnomAD v4.1: 1 of 1,614,020 alleles (0.000062%); highest among the groups gnomAD compares: Non-Finnish European, 0.000085%; no homozygotes.

Submission:

Juha Muilu Group; Institute for Molecular Medicine Finland (FIMM)
Classification: Likely pathogenic for Finnish congenital nephrotic syndrome. Review status: no assertion criteria provided. Collection method: not provided. Allele origin: unknown.
Comment: FinDis database variant: This variant was not found or characterized by our laboratory, data were collected from public sources: see reference
ClinVar note: Converted during submission from probable-pathogenic to Likely pathogenic.

NM_004646.4(NPHS1):c.2216C>T (p.Ala739Val)

Gene: NPHS1 (NPHS1 adhesion molecule, nephrin; minus strand). Cytogenetic location: 19q13.12.
Variant type: single nucleotide variant.
Coding change: c.2216C>T on transcript NM_004646.4 (MANE Select); coding-DNA position 2216, C replaced by T.
Protein change: p.Ala739Val; replaces alanine 739 with valine.
Molecular consequence: missense variant.
Genome position (GRCh38, 1-based): chr19:35,843,590, G>A on the plus strand (C>T on the coding strand, the complement: NPHS1 is on the minus strand). VCF-style: chr19-35843590-G-A. GRCh37 (hg19) VCF-style: chr19-36334492-G-A.
Other names: short protein forms A739V.
Identifiers: ClinVar variation 56467 (VCV000056467.2), dbSNP rs386833907, ClinGen allele CA250174.